The following is an entry in ClinVar:

NM_000051.4(ATM):c.175G>T (p.Ala59Ser)

Gene: ATM (ATM serine/threonine kinase; plus strand). Cytogenetic location: 11q22.3.
Variant type: single nucleotide variant.
Coding change: c.175G>T on transcript NM_000051.4 (MANE Select); coding-DNA position 175, G replaced by T.
Protein change: p.Ala59Ser; replaces alanine 59 with serine.
Molecular consequence: missense variant.
Genome position (GRCh38, 1-based): chr11:108,227,878, G>T. VCF-style: chr11-108227878-G-T. GRCh37 (hg19) VCF-style: chr11-108098605-G-T.
Other names: c.175G>T, p.Ala59Ser (NM_001351834.2, NM_001351835.2, NM_001351836.2); short protein forms A59S.
Identifiers: ClinVar variation 233566 (VCV000233566.24), dbSNP rs752527112, ClinGen allele CA6264518.

ClinVar aggregate classification (germline): Uncertain significance. Review status: criteria provided, multiple submitters, no conflicts (2 of 4 stars). 6 submissions from 6 submitters: Uncertain significance (5). 1 of the submissions does not count toward it. Last evaluated 2025-11-25.

Conditions:
Hereditary cancer-predisposing syndrome. Also called: Tumor predisposition; Hereditary Cancer Syndrome; Hereditary neoplastic syndrome; Neoplastic Syndromes, Hereditary. Identifiers: Orphanet 140162, MedGen C0027672, MeSH D009386, MONDO:0015356.
Familial cancer of breast. Also called: hereditary breast carcinoma; BREAST CANCER, FAMILIAL; Hereditary breast cancer. Identifiers: Orphanet 227535, MedGen C0346153, MONDO:0016419, OMIM 114480. Disease mechanism: loss of function.
Ataxia-telangiectasia syndrome (AT). Also called: Ataxia telangiectasia (A-T); LOUIS-BAR SYNDROME; Cerebello-oculocutaneous telangiectasia; Immunodeficiency with ataxia telangiectasia; ATAXIA-TELANGIECTASIA, COMPLEMENTATION GROUP A; ATAXIA-TELANGIECTASIA, FRESNO VARIANT. Identifiers: Orphanet 100, MedGen C0004135, MONDO:0008840, OMIM 208900.

Allele frequency attached by ClinVar (database versions not stated): gnomAD exomes below 0.00001 and 0.00001; gnomAD 0.00001 and 0.00002; ExAC 0.00002; TOPMed 0.00003.
gnomAD v4.1: 4 of 1,610,284 alleles (0.00025%); highest among the groups gnomAD compares: African/African-American, 0.0054%; no homozygotes.

Submissions (6):

Labcorp Genetics (formerly Invitae), Labcorp
Classification: Uncertain significance for Ataxia-telangiectasia syndrome. Last evaluated: 2025-11-25. Review status: criteria provided, single submitter. Criteria: Invitae Variant Classification Sherloc (09022015). Collection method: clinical testing. Allele origin: germline.
Comment: This sequence change replaces alanine, which is neutral and non-polar, with serine, which is neutral and polar, at codon 59 of the ATM protein (p.Ala59Ser). This variant is present in population databases (rs752527112, gnomAD 0.02%). This missense change has been observed in individual(s) with breast cancer (PMID: 25186627). ClinVar contains an entry for this variant (Variation ID: 233566). Invitae Evidence Modeling of protein sequence and biophysical properties (such as structural, functional, and spatial information, amino acid conservation, physicochemical variation, residue mobility, and thermodynamic stability) indicates that this missense variant is not expected to disrupt ATM protein function with a negative predictive value of 95%. In summary, the available evidence is currently insufficient to determine the role of this variant in disease. Therefore, it has been classified as a Variant of Uncertain Significance.

Women's Health and Genetics/Laboratory Corporation of America, LabCorp
Classification: Uncertain significance. Last evaluated: 2025-11-17. Review status: criteria provided, single submitter. Criteria: LabCorp Variant Classification Summary - May 2015. Collection method: clinical testing. Allele origin: germline.
Comment: Variant summary: ATM c.175G>T (p.Ala59Ser) results in a conservative amino acid change located in the Telomere-length maintenance and DNA damage repair (TAN) motif (IPR021668) of the encoded protein sequence. Algorithms developed to predict the effect of missense changes on protein structure and function are either unavailable or do not agree on the potential impact of this missense change. The variant allele was found at a frequency of 1.2e-05 in 250704 control chromosomes. The available data on variant occurrences in the general population are insufficient to allow any conclusion about variant significance. This report does not provide unequivocal conclusions about association of the variant with Breast Cancer. At least one publication reported experimental evidence evaluating an impact on protein function, and demonstrated that the variant protein moderately reversed the hyperradiosensitivity phenotype of ATM-null cells, but resulted in increased radiosensitivity compared to ATM wild-type cells, indicating a partial loss of function (Takagi_2017). These data do not allow clear conclusions about the variant significance. The following publications have been ascertained in the context of this evaluation (PMID: 29059438, 25186627). ClinVar contains an entry for this variant (Variation ID: 233566). Based on the evidence outlined above, the variant was classified as uncertain significance.

Ambry Genetics
Classification: Uncertain significance for Hereditary cancer-predisposing syndrome. Last evaluated: 2025-11-07. Review status: criteria provided, single submitter. Criteria: Ambry Variant Classification Scheme 2023. Collection method: clinical testing. Allele origin: germline.
Comment: The p.A59S variant (also known as c.175G>T), located in coding exon 2 of the ATM gene, results from a G to T substitution at nucleotide position 175. The alanine at codon 59 is replaced by serine, an amino acid with similar properties. In an assay testing ATM function, this variant showed a functionally abnormal (Lee KS et al. Cell, 2025 Sep;188:5081-5099.e27). This amino acid position is well conserved in available vertebrate species. In addition, this alteration is predicted to be tolerated by in silico analysis. Based on the available evidence, the clinical significance of this variant remains unclear.

Color Diagnostics, LLC DBA Color Health
Classification: Uncertain significance for Hereditary cancer-predisposing syndrome. Last evaluated: 2024-08-19. Review status: criteria provided, single submitter. Criteria: ACMG Guidelines, 2015. Collection method: clinical testing. Allele origin: germline.
Comment: This missense variant replaces alanine with serine at codon 59 of the ATM protein. Computational prediction suggests that this variant may not impact protein structure and function. Experimental studies have shown that this variant causes a partial loss of function (PMID: 29059438). This variant has been reported in an individual affected with early-onset breast cancer (PMID: 25186627). This variant has been identified in 3/250704 chromosomes in the general population by the Genome Aggregation Database (gnomAD). The available evidence is insufficient to determine the role of this variant in disease conclusively. Therefore, this variant is classified as a Variant of Uncertain Significance.

Baylor Genetics
Classification: Uncertain significance for Familial cancer of breast. Last evaluated: 2023-08-07. Review status: criteria provided, single submitter. Criteria: ACMG Guidelines, 2015. Collection method: clinical testing. Allele origin: unknown.

Natera, Inc.
Classification: Uncertain significance for Ataxia-telangiectasia. Last evaluated: 2020-09-16. Review status: no assertion criteria provided. Collection method: clinical testing. Allele origin: germline. Not counted in ClinVar's aggregate classification.

Literature cited by the submitters: PubMed 25186627 (cited by 3 submitters); PubMed 29059438 (cited by Women's Health and Genetics/Laboratory Corporation of America, LabCorp and Color Diagnostics, LLC DBA Color Health); PubMed 40580951 (cited by Ambry Genetics).